The following is an entry in ClinVar:

NC_000004.11:g.(?_5564565)_(5586587_?)del

Gene: EVC2 (EvC ciliary complex subunit 2; minus strand). Cytogenetic location: 4p16.2.
Variant type: Deletion.
Identifiers: ClinVar variation 1460347 (VCV001460347.6).

ClinVar aggregate classification (germline): Pathogenic (1 of 4 stars; one submission).

Conditions:
Ellis-van Creveld syndrome (EVC). Also called: Chondroectodermal dysplasia; MESOECTODERMAL DYSPLASIA; EVC-Related Ellis-van Creveld Syndrome; EVC2-Related Ellis-van Creveld Syndrome. Identifiers: Orphanet 289, MedGen C0013903, MONDO:0009162, OMIM 225500.
Curry-Hall syndrome (WAD). Also called: WEYERS ACRODENTAL DYSOSTOSIS. Identifiers: Orphanet 952, MedGen C0457013, MONDO:0008673, OMIM 193530.

Submission:

Labcorp Genetics (formerly Invitae), Labcorp
Classification: Pathogenic for Curry-Hall syndrome; Ellis-van Creveld syndrome. Last evaluated: 2021-08-12. Review status: criteria provided, single submitter. Criteria: Invitae Variant Classification Sherloc (09022015). Collection method: clinical testing. Allele origin: germline.
Comment: This variant is a gross deletion of the genomic region encompassing exon(s) 17-22 of the EVC2 gene, which includes the termination codon. This deletion extends beyond the assayed region for this gene and therefore may encompass additional genes. While this deletion is not anticipated to lead to nonsense mediated decay, it is expected to alter mRNA translation or result in a truncated protein product. This variant has not been reported in the literature in individuals affected with EVC2-related conditions. This variant disrupts a region of the EVC2 protein in which other variant(s) (p.Ser1220Argfs*3) have been determined to be pathogenic (PMID: 12571802, 17024374, 19810119, 23220543). This suggests that this is a clinically significant region of the protein, and that variants that disrupt it are likely to be disease-causing. For these reasons, this variant has been classified as Pathogenic.

Literature cited by the submitters: PubMed 12571802; PubMed 17024374; PubMed 19810119; PubMed 23220543.